The following is an entry in ClinVar:

NM_001369.3(DNAH5):c.9606-7A>G

Gene: DNAH5 (dynein axonemal heavy chain 5; minus strand). Cytogenetic location: 5p15.2.
Variant type: single nucleotide variant.
Coding change: c.9606-7A>G on transcript NM_001369.3 (MANE Select); 7 bases into the intron before coding-DNA position 9606, A replaced by G.
Molecular consequence: intron variant.
Genome position (GRCh38, 1-based): chr5:13,769,622, T>C on the plus strand (A>G on the coding strand, the complement: DNAH5 is on the minus strand). VCF-style: chr5-13769622-T-C. GRCh37 (hg19) VCF-style: chr5-13769731-T-C.
Identifiers: ClinVar variation 940842 (VCV000940842.5), dbSNP rs1753043312, ClinGen allele CA1139658761.

ClinVar aggregate classification (germline): Uncertain significance. Review status: criteria provided, multiple submitters, no conflicts (2 of 4 stars). 2 submissions from 2 submitters: Uncertain significance (2). Last evaluated 2025-04-09.

Conditions:
Primary ciliary dyskinesia. Also called: Ciliary dyskinesia. Identifiers: Orphanet 244, MedGen C0008780, MONDO:0016575, HP:0012265.
Respiratory ciliopathies including non-CF bronchiectasis.

Allele frequency attached by ClinVar (database versions not stated): gnomAD exomes below 0.00001.
gnomAD v4.1: 1 of 1,611,538 alleles (0.000062%); no homozygotes.

Submissions (2):

NHS Central & South Genomic Laboratory Hub
Classification: Uncertain significance for Respiratory ciliopathies including non-CF bronchiectasis. Last evaluated: 2025-04-09. Review status: criteria provided, single submitter. Criteria: ACMG Guidelines, 2015. Collection method: clinical testing. Allele origin: germline. Affected: yes.

Labcorp Genetics (formerly Invitae), Labcorp
Classification: Uncertain significance for Primary ciliary dyskinesia. Last evaluated: 2021-08-30. Review status: criteria provided, single submitter. Criteria: Invitae Variant Classification Sherloc (09022015). Collection method: clinical testing. Allele origin: germline.
Comment: This sequence change falls in intron 56 of the DNAH5 gene. It does not directly change the encoded amino acid sequence of the DNAH5 protein. This variant is not present in population databases (ExAC no frequency). This variant has not been reported in the literature in individuals affected with DNAH5-related conditions. Algorithms developed to predict the effect of sequence changes on RNA splicing suggest that this variant may disrupt the consensus splice site. In summary, the available evidence is currently insufficient to determine the role of this variant in disease. Therefore, it has been classified as a Variant of Uncertain Significance.